The following is an entry in ClinVar:

NM_004426.3(PHC1):c.2999T>A (p.Val1000Asp)

Gene: PHC1 (polyhomeotic homolog 1; plus strand). Cytogenetic location: 12p13.31.
Variant type: single nucleotide variant.
Coding change: c.2999T>A on transcript NM_004426.3 (MANE Select); coding-DNA position 2999, T replaced by A.
Protein change: p.Val1000Asp; replaces valine 1000 with aspartic acid.
Molecular consequence: missense variant. On other transcripts: non-coding transcript variant (1).
Genome position (GRCh38, 1-based): chr12:8,939,443, T>A. VCF-style: chr12-8939443-T-A. GRCh37 (hg19) VCF-style: chr12-9092039-T-A.
Other names: c.2462T>A, p.Val821Asp (NM_001413749.1, NM_001413748.1); c.2456T>A, p.Val819Asp (NM_001413750.1); c.2438T>A, p.Val813Asp (NM_001413751.1, NM_001413752.1); c.2330T>A, p.Val777Asp (NM_001413753.1); c.2312T>A, p.Val771Asp (NM_001413754.1); c.2999T>A, p.Val1000Asp (NM_001413738.1); c.2993T>A, p.Val998Asp (NM_001413739.1); c.2975T>A, p.Val992Asp (NM_001413740.1); and 6 more; short protein forms V1000D, V771D, V777D, V813D, V819D, V821D, V827D, V853D.
Identifiers: ClinVar variation 3239150 (VCV003239150.19), dbSNP rs200770478.
Genomic context (GRCh38, chr12:8,939,443, plus strand): 5'-TTATGAGTGCCATGAACATCAAGCTGGGCCCTGCCCTCAAGATCTGCGCCAAGATAAATG[T>A]CCTCAAGGAGACCTAAGGTGGCCCTCTTGCACAAACCAGCCTAAGGCAGACACTCTCCAC-3'
Protein context (NP_004417.2, residues 990-1004): PALKICAKIN[Val1000Asp]LKET

ClinVar aggregate classification (germline): Likely benign (1 of 4 stars; one submission).

Allele frequency attached by ClinVar (database versions not stated): gnomAD exomes 0.00015; TOPMed 0.00025; gnomAD 0.00030; ExAC 0.00039.
gnomAD v4.1: 276 of 1,584,600 alleles (0.017%); highest among the groups gnomAD compares: Admixed American, 0.034%; 1 homozygote.

Submission:

CeGaT Center for Human Genetics Tuebingen
Classification: Likely benign. Last evaluated: 2024-05-01. Review status: criteria provided, single submitter. Criteria: CeGaT Center For Human Genetics Tuebingen Variant Classification Criteria Version 2. Collection method: clinical testing. Allele origin: germline. Affected: yes. Observed: 1 variant allele.
Comment: PHC1: PP2, BS2